The following is an entry in ClinVar:

NM_000368.5(TSC1):c.1041G>C (p.Trp347Cys)

Gene: TSC1 (TSC complex subunit 1; minus strand). Cytogenetic location: 9q34.13.
Variant type: single nucleotide variant.
Coding change: c.1041G>C on transcript NM_000368.5 (MANE Select); coding-DNA position 1041, G replaced by C.
Protein change: p.Trp347Cys; replaces tryptophan 347 with cysteine.
Molecular consequence: missense variant.
Genome position (GRCh38, 1-based): chr9:132,911,102, C>G on the plus strand (G>C on the coding strand, the complement: TSC1 is on the minus strand). VCF-style: chr9-132911102-C-G. GRCh37 (hg19) VCF-style: chr9-135786489-C-G.
Other names: c.1041G>C, p.Trp347Cys (NM_001162426.2); c.888G>C, p.Trp296Cys (NM_001162427.2); c.678G>C, p.Trp226Cys (NM_001362177.2); short protein forms W347C, W226C, W296C.
Identifiers: ClinVar variation 578829 (VCV000578829.15), dbSNP rs118203491, ClinGen allele CA375367866.

ClinVar aggregate classification (germline): Uncertain significance. Review status: criteria provided, multiple submitters, no conflicts (2 of 4 stars). 3 submissions from 3 submitters: Uncertain significance (3). Last evaluated 2021-11-07.

Conditions:
Tuberous sclerosis 1 (TSC1). Identifiers: Orphanet 805, MedGen C1854465, MONDO:0008612, OMIM 191100.
Hereditary cancer-predisposing syndrome. Also called: Hereditary neoplastic syndrome; Tumor predisposition; Hereditary Cancer Syndrome; Neoplastic Syndromes, Hereditary. Identifiers: Orphanet 140162, MedGen C0027672, MeSH D009386, MONDO:0015356.

Submissions (3):

Genome-Nilou Lab
Classification: Uncertain significance for Tuberous sclerosis 1. Last evaluated: 2021-11-07. Review status: criteria provided, single submitter. Criteria: ACMG Guidelines, 2015. Collection method: clinical testing. Allele origin: germline. Affected: no.

Ambry Genetics
Classification: Uncertain significance for Hereditary cancer-predisposing syndrome. Last evaluated: 2019-01-21. Review status: criteria provided, single submitter. Criteria: Ambry Variant Classification Scheme 2023. Collection method: clinical testing. Allele origin: germline.
Comment: The p.W347C variant (also known as c.1041G>C), located in coding exon 9 of the TSC1 gene, results from a G to C substitution at nucleotide position 1041. The tryptophan at codon 347 is replaced by cysteine, an amino acid with highly dissimilar properties. This amino acid position is highly conserved in available vertebrate species. In addition, this alteration is predicted to be deleterious by in silico analysis. Since supporting evidence is limited at this time, the clinical significance of this alteration remains unclear.

Labcorp Genetics (formerly Invitae), Labcorp
Classification: Uncertain significance for Tuberous sclerosis 1. Last evaluated: 2018-02-15. Review status: criteria provided, single submitter. Criteria: Invitae Variant Classification Sherloc (09022015). Collection method: clinical testing. Allele origin: germline.
Comment: This variant has not been reported in the literature in individuals with TSC1-related disease. In summary, the available evidence is currently insufficient to determine the role of this variant in disease. Therefore, it has been classified as a Variant of Uncertain Significance. Algorithms developed to predict the effect of missense changes on protein structure and function do not agree on the potential impact of this missense change (SIFT: "Tolerated"; PolyPhen-2: "Probably Damaging"; Align-GVGD: "Class C0"). This variant is not present in population databases (ExAC no frequency). This sequence change replaces tryptophan with cysteine at codon 347 of the TSC1 protein (p.Trp347Cys). The tryptophan residue is highly conserved and there is a large physicochemical difference between tryptophan and cysteine.